The following is an entry in ClinVar:

NM_006348.5(COG5):c.1902_1904delinsCTT (p.Met634_Lys635delinsIleLeu)

Gene: COG5 (component of oligomeric golgi complex 5; minus strand). Cytogenetic location: 7q22.3.
Variant type: Indel.
Coding change: c.1902_1904delinsCTT on transcript NM_006348.5 (MANE Select); coding-DNA positions 1902 to 1904, GAA replaced by CTT.
Protein change: p.Met634_Lys635delinsIleLeu.
Molecular consequence: missense variant. On other transcripts: intron variant (1).
Genome position (GRCh38, 1-based): chr7:107,236,637-107,236,639, TTC replaced by AAG on the plus strand (GAA replaced by CTT on the coding strand, the reverse complement: COG5 is on the minus strand). VCF-style: chr7-107236637-TTC-AAG. GRCh37 (hg19) VCF-style: chr7-106877082-TTC-AAG.
Other names: c.1902_1904delinsCTT, p.Met634_Lys635delinsIleLeu (NM_001161520.2, NM_001379513.1); c.1740_1742delinsCTT, p.Met580_Lys581delinsIleLeu (NM_001379511.1); c.1728_1730delinsCTT, p.Met576_Lys577delinsIleLeu (NM_001379512.1); c.1332_1334delinsCTT, p.Met444_Lys445delinsIleLeu (NM_001379515.1); c.1188_1190delinsCTT, p.Met396_Lys397delinsIleLeu (NM_001379516.1); c.1839_1841delinsCTT, p.Met613_Lys614delinsIleLeu (NM_181733.4); c.1853+11757_1853+11759delinsCTT (NM_001379514.1).
Identifiers: ClinVar variation 2135553 (VCV002135553.4), dbSNP rs2535881158, ClinGen allele CA2580076127.

ClinVar aggregate classification (germline): Uncertain significance (1 of 4 stars; one submission).

Conditions:
COG5-congenital disorder of glycosylation. Also called: COG5-CDG; CDG IIi; CONGENITAL DISORDER OF GLYCOSYLATION, TYPE IIi. Identifiers: Orphanet 263487, MedGen C3150876, MONDO:0013325, OMIM 613612.

Submission:

Labcorp Genetics (formerly Invitae), Labcorp
Classification: Uncertain significance for COG5-congenital disorder of glycosylation. Last evaluated: 2022-05-08. Review status: criteria provided, single submitter. Criteria: Invitae Variant Classification Sherloc (09022015). Collection method: clinical testing. Allele origin: germline.
Comment: In summary, the available evidence is currently insufficient to determine the role of this variant in disease. Therefore, it has been classified as a Variant of Uncertain Significance. Experimental studies and prediction algorithms are not available or were not evaluated, and the functional significance of this variant is currently unknown. This variant has not been reported in the literature in individuals affected with COG5-related conditions. Information on the frequency of this variant in the gnomAD database is not available, as this variant may be reported differently in the database. This variant, c.1995_1997delinsCTT, is a complex sequence change that results in the deletion of 2 and insertion of 2 amino acid(s) in the COG5 protein (p.Met665_Lys666delinsIleLeu).